The following is an entry in ClinVar:

ClinVar aggregate classification (germline): Uncertain significance (1 of 4 stars; one submission).

Conditions:
Hereditary cancer-predisposing syndrome. Also called: Neoplastic Syndromes, Hereditary; Tumor predisposition; Hereditary neoplastic syndrome; Hereditary Cancer Syndrome. Identifiers: Orphanet 140162, MedGen C0027672, MeSH D009386, MONDO:0015356.

Allele frequency attached by ClinVar (database versions not stated): TOPMed 0.00001.

Submission:

Ambry Genetics
Classification: Uncertain significance for Hereditary cancer-predisposing syndrome. Last evaluated: 2023-02-01. Review status: criteria provided, single submitter. Criteria: Ambry Variant Classification Scheme 2023. Collection method: clinical testing. Allele origin: germline.
Comment: The c.-5delG variant is located in the 5' untranslated region (5&rsquo;UTR) of the FH gene. This variant results from a deletion of a single nucleotide, five nucleotides upstream from the first translated codon. This nucleotide position is well conserved in available vertebrate species. Since supporting evidence is limited at this time, the clinical significance of this alteration remains unclear.

NM_000143.4(FH):c.-5del

Gene: FH (fumarate hydratase; minus strand). Cytogenetic location: 1q43.
Variant type: Deletion.
Coding change: c.-5del on transcript NM_000143.4 (MANE Select); 5 bases upstream of the start codon, one base deleted (G; older notation c.-5delG).
Molecular consequence: 5 prime UTR variant.
Genome position (GRCh38, 1-based): chr1:241,519,727, C deleted on the plus strand (G on the coding strand, the reverse complement: FH is on the minus strand). VCF-style (leftmost placement, unchanged base first): chr1-241519726-GC-G. GRCh37 (hg19) VCF-style: chr1-241683026-GC-G.
Identifiers: ClinVar variation 2452781 (VCV002452781.2), dbSNP rs1660325658, ClinGen allele CA1229585180.
Genomic context (GRCh38, chr1:241,519,726, plus strand): 5'-GGCTGGAGCCCGCACGAGGGGACGCGAGCGCGCGAGGAGCCGAAGTGCTCGGTACATGGT[GC>G]TGAGGGAGCTTGGGTAGAATTTCTGGGCGGCTGTGGCCACGCCTCCACGCCGGTTGTCAG-3'